The following is an entry in ClinVar:

NM_000845.3(GRM8):c.1584G>A (p.Thr528=)

Gene: GRM8 (glutamate metabotropic receptor 8; minus strand). Cytogenetic location: 7q31.33.
Variant type: single nucleotide variant.
Coding change: c.1584G>A on transcript NM_000845.3 (MANE Select); coding-DNA position 1584, G replaced by A.
Protein change: p.Thr528=; no amino-acid change (threonine 528 retained).
Molecular consequence: synonymous variant. On other transcripts: non-coding transcript variant (3).
Genome position (GRCh38, 1-based): chr7:126,533,798, C>T on the plus strand (G>A on the coding strand, the complement: GRM8 is on the minus strand). VCF-style: chr7-126533798-C-T. GRCh37 (hg19) VCF-style: chr7-126173852-C-T.
Other names: c.1584G>A, p.Thr528= (NM_001127323.1, NM_001371083.1, NM_001371084.1 and 2 more transcripts); c.*149G>A (NM_001127326.1); c.969G>A, p.Thr323= (NM_001371087.1).
Identifiers: ClinVar variation 3042719 (VCV003042719.2), dbSNP rs140863337, ClinGen allele CA4465803.

ClinVar aggregate classification (germline): Likely benign (0 of 4 stars; one submission).

Conditions:
GRM8-related disorder. Also called: GRM8-related condition.

Allele frequency attached by ClinVar (database versions not stated): TOPMed 0.00009; gnomAD 0.00012; ESP Exome Variant Server 0.00023.
gnomAD v4.1: 163 of 1,613,926 alleles (0.01%); highest among the groups gnomAD compares: South Asian, 0.014%; no homozygotes.

Submission:

PreventionGenetics, part of Exact Sciences
Classification: Likely benign for GRM8-related condition. Last evaluated: 2019-06-19. Review status: no assertion criteria provided. Collection method: clinical testing. Allele origin: germline.
Comment: This variant is classified as likely benign based on ACMG/AMP sequence variant interpretation guidelines (Richards et al. 2015 PMID: 25741868, with internal and published modifications).